The following is an entry in ClinVar:

ClinVar aggregate classification (germline): Uncertain significance (1 of 4 stars; one submission).

Conditions:
X-linked agammaglobulinemia with growth hormone deficiency (IGHD3). Also called: FLEISHER SYNDROME; HYPOGAMMAGLOBULINEMIA AND ISOLATED GROWTH HORMONE DEFICIENCY, X-LINKED; IGHD III; AGAMMAGLOBULINEMIA AND ISOLATED GROWTH HORMONE DEFICIENCY, X-LINKED; Isolated growth hormone deficiency type 3; Growth hormone deficiency with hypogammaglobulinemia. Identifiers: Orphanet 231692, Orphanet 631, MedGen C0472813, MONDO:0010615, OMIM 307200.

Submission:

Labcorp Genetics (formerly Invitae), Labcorp
Classification: Uncertain significance for X-linked agammaglobulinemia with growth hormone deficiency. Last evaluated: 2022-05-12. Review status: criteria provided, single submitter. Criteria: Invitae Variant Classification Sherloc (09022015). Collection method: clinical testing. Allele origin: germline.
Comment: In summary, the available evidence is currently insufficient to determine the role of this variant in disease. Therefore, it has been classified as a Variant of Uncertain Significance. Advanced modeling of protein sequence and biophysical properties (such as structural, functional, and spatial information, amino acid conservation, physicochemical variation, residue mobility, and thermodynamic stability) performed at Invitae indicates that this missense variant is expected to disrupt BTK protein function. This variant has not been reported in the literature in individuals affected with BTK-related conditions. This variant is not present in population databases (gnomAD no frequency). This sequence change replaces leucine, which is neutral and non-polar, with arginine, which is basic and polar, at codon 518 of the BTK protein (p.Leu518Arg).

NM_000061.3(BTK):c.1553T>G (p.Leu518Arg)

Gene: BTK (Bruton tyrosine kinase; minus strand). Cytogenetic location: Xq22.1.
Variant type: single nucleotide variant.
Coding change: c.1553T>G on transcript NM_000061.3 (MANE Select); coding-DNA position 1553, T replaced by G.
Protein change: p.Leu518Arg; replaces leucine 518 with arginine.
Molecular consequence: missense variant. On other transcripts: intron variant (1).
Genome position (GRCh38, 1-based): chrX:101,356,065, A>C on the plus strand (T>G on the coding strand, the complement: BTK is on the minus strand). VCF-style: chrX-101356065-A-C. GRCh37 (hg19) VCF-style: chrX-100611053-A-C.
Other names: c.1655T>G, p.Leu552Arg (NM_001287344.2); c.1039-1371T>G (NM_001287345.2); short protein forms L518R, L552R.
Identifiers: ClinVar variation 2138647 (VCV002138647.4), dbSNP rs2520551416, ClinGen allele CA413923016.